The following is an entry in ClinVar:

ClinVar aggregate classification (germline): Uncertain significance (1 of 4 stars; one submission).

Conditions:
Inborn genetic diseases. Identifiers: MedGen C0950123, MeSH D030342.

gnomAD v4.1: 12 of 1,613,052 alleles (0.00074%); highest among the groups gnomAD compares: Admixed American, 0.0017%; no homozygotes.

Submission:

Ambry Genetics
Classification: Uncertain significance for Inborn genetic diseases. Last evaluated: 2026-03-19. Review status: criteria provided, single submitter. Criteria: Ambry Variant Classification Scheme 2023. Collection method: clinical testing. Allele origin: germline.
Comment: The p.G951D variant (also known as c.2852G>A), located in coding exon 12 of the BMPR2 gene, results from a G to A substitution at nucleotide position 2852. The glycine at codon 951 is replaced by aspartic acid, an amino acid with similar properties. This amino acid position is conserved. In addition, this alteration is predicted to be tolerated by in silico analysis. Based on the available evidence, the clinical significance of this variant remains unclear.

NM_001204.7(BMPR2):c.2852G>A (p.Gly951Asp)

Gene: BMPR2 (bone morphogenetic protein receptor type 2; plus strand). Cytogenetic location: 2q33.2.
Variant type: single nucleotide variant.
Coding change: c.2852G>A on transcript NM_001204.7 (MANE Select); coding-DNA position 2852, G replaced by A.
Protein change: p.Gly951Asp; replaces glycine 951 with aspartic acid.
Molecular consequence: missense variant.
Genome position (GRCh38, 1-based): chr2:202,556,517, G>A. VCF-style: chr2-202556517-G-A. GRCh37 (hg19) VCF-style: chr2-203421240-G-A.
Other names: short protein forms G951D.
Identifiers: ClinVar variation 4867572 (VCV004867572.1).
Genomic context (GRCh38, chr2:202,556,517, plus strand): 5'-AGCCCAGAAGAGCACAGAGGCCTAATTCTCTGGATCTTTCAGCCACAAATGTCCTGGATG[G>A]CAGCAGTATACAGAGTAAGTGGAGGGATCATATAATCTCTCCTGTGTGTCTTTTGGGGCC-3'
Protein context (NP_001195.2, residues 941-961): LDLSATNVLD[Gly951Asp]SSIQIGESTQ